The following is an entry in ClinVar:

ClinVar aggregate classification (germline): Uncertain significance (1 of 4 stars; one submission).

Conditions:
Dyskeratosis congenita, autosomal recessive 6 (DKCB6). Identifiers: MedGen C4225356, MONDO:0014600, OMIM 616353.
Pulmonary fibrosis and/or bone marrow failure, Telomere-related, 4. Also called: PULMONARY FIBROSIS AND/OR BONE MARROW FAILURE SYNDROME, TELOMERE-RELATED, 4. Identifiers: Orphanet 2032, MedGen C4225347, MONDO:0014612, OMIM 616371.

Allele frequency attached by ClinVar (database versions not stated): TOPMed below 0.00001; gnomAD 0.00001.
gnomAD v4.1: 1 of 1,604,220 alleles (0.000062%); highest among the groups gnomAD compares: African/African-American, 0.0013%; no homozygotes.

Submission:

Labcorp Genetics (formerly Invitae), Labcorp
Classification: Uncertain significance for Dyskeratosis congenita, autosomal recessive 6; Pulmonary fibrosis and/or bone marrow failure, Telomere-related, 4. Last evaluated: 2023-05-29. Review status: criteria provided, single submitter. Criteria: Invitae Variant Classification Sherloc (09022015). Collection method: clinical testing. Allele origin: germline.
Comment: In summary, the available evidence is currently insufficient to determine the role of this variant in disease. Therefore, it has been classified as a Variant of Uncertain Significance. An algorithm developed to predict the effect of missense changes on protein structure and function (PolyPhen-2) suggests that this variant is likely to be tolerated. This variant has not been reported in the literature in individuals affected with PARN-related conditions. This variant is not present in population databases (gnomAD no frequency). This sequence change replaces valine, which is neutral and non-polar, with alanine, which is neutral and non-polar, at codon 40 of the PARN protein (p.Val40Ala).

NM_002582.4(PARN):c.119T>C (p.Val40Ala)

Gene: PARN (poly(A)-specific ribonuclease; minus strand). Cytogenetic location: 16p13.12.
Variant type: single nucleotide variant.
Coding change: c.119T>C on transcript NM_002582.4 (MANE Select); coding-DNA position 119, T replaced by C.
Protein change: p.Val40Ala; replaces valine 40 with alanine.
Molecular consequence: missense variant. On other transcripts: 5 prime UTR variant (1).
Genome position (GRCh38, 1-based): chr16:14,628,230, A>G on the plus strand (T>C on the coding strand, the complement: PARN is on the minus strand). VCF-style: chr16-14628230-A-G. GRCh37 (hg19) VCF-style: chr16-14722087-A-G.
Other names: c.-65T>C (NM_001134477.3); c.119T>C, p.Val40Ala (NM_001242992.2); short protein forms V40A.
Identifiers: ClinVar variation 2939820 (VCV002939820.3), dbSNP rs993681231, ClinGen allele CA278541982.
Genomic context (GRCh38, chr16:14,628,230, plus strand): 5'-GCCTTTTTAAGCTTCTGATACCTCTCTTCTGGAGTGTCAAAACCATTTGTTAATGCAGAG[A>G]CTGAAGGTCCATCACTGATTCCTAGATTTTAAGAAATAAAAATTTTTAGCTTACTAATAA-3'
Protein context (NP_002573.1, residues 30-50): EFSGISDGPS[Val40Ala]SALTNGFDTP